The following is an entry in ClinVar:

ClinVar aggregate classification (germline): Uncertain significance (1 of 4 stars; one submission).

Conditions:
Cardiovascular phenotype. Identifiers: MedGen CN230736.

gnomAD v4.1: 1 of 1,613,970 alleles (0.000062%); highest among the groups gnomAD compares: Non-Finnish European, 0.000085%; no homozygotes.

Submission:

Ambry Genetics
Classification: Uncertain significance for Cardiovascular phenotype. Last evaluated: 2025-06-01. Review status: criteria provided, single submitter. Criteria: Ambry Variant Classification Scheme 2023. Collection method: clinical testing. Allele origin: germline.
Comment: The p.R196L variant (also known as c.587G>T), located in coding exon 6 of the LDLRAP1 gene, results from a G to T substitution at nucleotide position 587. The arginine at codon 196 is replaced by leucine, an amino acid with dissimilar properties. This amino acid position is conserved. In addition, this alteration is predicted to be tolerated by in silico analysis. Based on the available evidence, the clinical significance of this variant remains unclear.

NM_015627.3(LDLRAP1):c.587G>T (p.Arg196Leu)

Gene: LDLRAP1 (low density lipoprotein receptor adaptor protein 1; plus strand). Cytogenetic location: 1p36.11.
Variant type: single nucleotide variant.
Coding change: c.587G>T on transcript NM_015627.3 (MANE Select); coding-DNA position 587, G replaced by T.
Protein change: p.Arg196Leu; replaces arginine 196 with leucine.
Molecular consequence: missense variant.
Genome position (GRCh38, 1-based): chr1:25,563,124, G>T. VCF-style: chr1-25563124-G-T. GRCh37 (hg19) VCF-style: chr1-25889615-G-T.
Other names: short protein forms R196L.
Identifiers: ClinVar variation 4046779 (VCV004046779.1).